The following is an entry in ClinVar:

NM_153704.6(TMEM67):c.756G>C (p.Met252Ile)

Gene: TMEM67 (transmembrane protein 67; plus strand). Cytogenetic location: 8q22.1.
Variant type: single nucleotide variant.
Coding change: c.756G>C on transcript NM_153704.6 (MANE Select); coding-DNA position 756, G replaced by C.
Protein change: p.Met252Ile; replaces methionine 252 with isoleucine.
Molecular consequence: missense variant. On other transcripts: non-coding transcript variant (1).
Genome position (GRCh38, 1-based): chr8:93,780,634, G>C. VCF-style: chr8-93780634-G-C. GRCh37 (hg19) VCF-style: chr8-94792862-G-C.
Other names: c.513G>C, p.Met171Ile (NM_001142301.1); short protein forms M171I, M252I.
Identifiers: ClinVar variation 1356294 (VCV001356294.7), dbSNP rs2130662628, ClinGen allele CA371687778.
Genomic context (GRCh38, chr8:93,780,634, plus strand): 5'-TGCCATTGTTCTGTTGTAGGTATATGCCAATCTAACATCTTGTCAAGCTCTTGGAAATAT[G>C]TGTGTGATGAACATGAATTCTTACGACTTTGCCACATTTGATGCATGTGGACTATTTCAG-3'
Protein context (NP_714915.3, residues 242-262): NLTSCQALGN[Met252Ile]CVMNMNSYDF

ClinVar aggregate classification (germline): Uncertain significance (1 of 4 stars; one submission).

Conditions:
Joubert syndrome. Also called: CEREBELLOPARENCHYMAL DISORDER IV; JOUBERT-BOLTSHAUSER SYNDROME; Familial aplasia of the vermis. Identifiers: Orphanet 475, MedGen C5979921, MONDO:0018772.
Meckel-Gruber syndrome. Also called: DYSENCEPHALIA SPLANCHNOCYSTICA; GRUBER SYNDROME; Dysencephalia splachnocystica. Identifiers: Orphanet 564, MedGen C0265215, MONDO:0018921.

Submission:

Labcorp Genetics (formerly Invitae), Labcorp
Classification: Uncertain significance for Joubert syndrome; Meckel-Gruber syndrome. Last evaluated: 2025-04-16. Review status: criteria provided, single submitter. Criteria: Invitae Variant Classification Sherloc (09022015). Collection method: clinical testing. Allele origin: germline.
Comment: This sequence change replaces methionine, which is neutral and non-polar, with isoleucine, which is neutral and non-polar, at codon 252 of the TMEM67 protein (p.Met252Ile). This variant is not present in population databases (gnomAD no frequency). This variant has not been reported in the literature in individuals affected with TMEM67-related conditions. ClinVar contains an entry for this variant (Variation ID: 1356294). An algorithm developed to predict the effect of missense changes on protein structure and function outputs the following: PolyPhen-2: "Benign". The isoleucine amino acid residue is found in multiple mammalian species, which suggests that this missense change does not adversely affect protein function. This variant disrupts the p.Met252 amino acid residue in TMEM67. Other variant(s) that disrupt this residue have been determined to be pathogenic (PMID: 17397051, 26035863, 28497568, 29568536). This suggests that this residue is clinically significant, and that variants that disrupt this residue are likely to be disease-causing. In summary, the available evidence is currently insufficient to determine the role of this variant in disease. Therefore, it has been classified as a Variant of Uncertain Significance.

Literature cited by the submitters: PubMed 17397051; PubMed 26035863; PubMed 28497568; PubMed 29568536.